The following is an entry in ClinVar:

NC_012920.1(MT-CO3):m.9288A>G

Gene: MT-CO3 (mitochondrially encoded cytochrome c oxidase III; plus strand).
Variant type: single nucleotide variant.
Genome position: chrM-9288-A-G.
Identifiers: ClinVar variation 693139 (VCV000693139.1), dbSNP rs1603222218, ClinGen allele CA414802609.

ClinVar aggregate classification (germline): Benign (1 of 4 stars; one submission).

Conditions:
Leigh syndrome (NULS). Also called: Leigh's necrotizing encephalopathy; Leigh's disease; Leigh Syndrome (mtDNA deletion); Leigh Disease; Subacute necrotizing encephalopathy; Necrotizing encephalopathy infantile subacute of Leigh. Identifiers: Orphanet 506, MedGen C2931891, MONDO:0009723, OMIM 256000.

Submission:

Wong Mito Lab, Molecular and Human Genetics, Baylor College of Medicine
Classification: Benign for Leigh syndrome. Last evaluated: 2019-10-17. Review status: criteria provided, single submitter. Criteria: Modified ACMG Guidelines (Unpublished). Collection method: clinical testing. Allele origin: germline.
Comment: The NC_012920.1:m.9288A>G (YP_003024032.1:p.Thr28Ala) variant in MTCO3 gene is interpretated to be a Benign variant based on the modified ACMG guidelines (unpublished). This variant meets the following evidence codes: BS1, BS4